The following is an entry in ClinVar:

ClinVar aggregate classification (germline): Uncertain significance (1 of 4 stars; one submission).

Allele frequency attached by ClinVar (database versions not stated): gnomAD exomes 0.00006; gnomAD 0.00007; TOPMed 0.00011; ExAC 0.00020; 1000 Genomes Project 0.00040; 1000 Genomes Project 30x 0.00047.
gnomAD v4.1: 95 of 1,613,370 alleles (0.0059%); highest among the groups gnomAD compares: East Asian, 0.11%; no homozygotes.

Submission:

Labcorp Genetics (formerly Invitae), Labcorp
Classification: Uncertain significance. Last evaluated: 2022-07-06. Review status: criteria provided, single submitter. Criteria: Invitae Variant Classification Sherloc (09022015). Collection method: clinical testing. Allele origin: germline.
Comment: This sequence change replaces serine, which is neutral and polar, with asparagine, which is neutral and polar, at codon 1183 of the TONSL protein (p.Ser1183Asn). This variant is present in population databases (rs202100361, gnomAD 0.2%). This variant has not been reported in the literature in individuals affected with TONSL-related conditions. Algorithms developed to predict the effect of missense changes on protein structure and function output the following: SIFT: "Tolerated"; PolyPhen-2: "Benign"; Align-GVGD: "Class C0". The asparagine amino acid residue is found in multiple mammalian species, which suggests that this missense change does not adversely affect protein function. Algorithms developed to predict the effect of sequence changes on RNA splicing suggest that this variant may create or strengthen a splice site. In summary, the available evidence is currently insufficient to determine the role of this variant in disease. Therefore, it has been classified as a Variant of Uncertain Significance.

NM_013432.5(TONSL):c.3548G>A (p.Ser1183Asn)

Gene: TONSL (tonsoku like, DNA repair protein; minus strand). Cytogenetic location: 8q24.3.
Variant type: single nucleotide variant.
Coding change: c.3548G>A on transcript NM_013432.5 (MANE Select); coding-DNA position 3548, G replaced by A.
Protein change: p.Ser1183Asn; replaces serine 1183 with asparagine.
Molecular consequence: missense variant.
Genome position (GRCh38, 1-based): chr8:144,433,599, C>T on the plus strand (G>A on the coding strand, the complement: TONSL is on the minus strand). VCF-style: chr8-144433599-C-T. GRCh37 (hg19) VCF-style: chr8-145658982-C-T.
Other names: short protein forms S1183N.
Identifiers: ClinVar variation 2058608 (VCV002058608.1), dbSNP rs202100361, ClinGen allele CA4942483.
Genomic context (GRCh38, chr8:144,433,599, plus strand): 5'-TCAATGCCCCAGGGCTAGGGAGTGGACAGGGAGTGCCTGGTCAGCTCACCTTGGAAAGCA[C>T]TACCCAGTGCTGTCTGGTGGCTCAGAAAGAAGCTGGGGCCGAAGCCACACGCCTGCAGGC-3'
Protein context (NP_038460.4, residues 1173-1193): FFLSHQTALG[Ser1183Asn]AFQDAEHLKT